The following is an entry in ClinVar:

NM_006206.6(PDGFRA):c.111G>T (p.Lys37Asn)

Gene: PDGFRA (platelet derived growth factor receptor alpha; plus strand). Cytogenetic location: 4q12.
Variant type: single nucleotide variant.
Coding change: c.111G>T on transcript NM_006206.6 (MANE Select); coding-DNA position 111, G replaced by T.
Protein change: p.Lys37Asn; replaces lysine 37 with asparagine.
Molecular consequence: missense variant.
Genome position (GRCh38, 1-based): chr4:54,261,156, G>T. VCF-style: chr4-54261156-G-T. GRCh37 (hg19) VCF-style: chr4-55127323-G-T.
Other names: c.111G>T, p.Lys37Asn (NM_001347827.2, NM_001347829.2); c.186G>T, p.Lys62Asn (NM_001347828.2); c.150G>T, p.Lys50Asn (NM_001347830.2); short protein forms K37N, K50N, K62N.
Identifiers: ClinVar variation 528586 (VCV000528586.13), dbSNP rs1553902353, ClinGen allele CA356888272.
Genomic context (GRCh38, chr4:54,261,156, plus strand): 5'-GCTGAGCCTAATCCTCTGCCAGCTTTCATTACCCTCTATCCTTCCAAATGAAAATGAAAA[G>T]GTTGTGCAGCTGAATTCATCCTTTTCTCTGAGATGCTTTGGGGAGAGTGAAGTGAGCTGG-3'
Protein context (NP_006197.1, residues 27-47): LPSILPNENE[Lys37Asn]VVQLNSSFSL

ClinVar aggregate classification (germline): Uncertain significance. Review status: criteria provided, multiple submitters, no conflicts (2 of 4 stars). 2 submissions from 2 submitters: Uncertain significance (2). Last evaluated 2024-11-18.

Conditions:
Gastrointestinal stromal tumor. Also called: Gastrointestinal stroma tumor; Gastrointestinal stromal tumor, somatic. Identifiers: Orphanet 44890, MedGen C0238198, MeSH D046152, MONDO:0011719, OMIM 606764, HP:0100723.
Hereditary cancer-predisposing syndrome. Also called: Tumor predisposition; Hereditary neoplastic syndrome; Hereditary Cancer Syndrome; Neoplastic Syndromes, Hereditary. Identifiers: Orphanet 140162, MedGen C0027672, MeSH D009386, MONDO:0015356.

Allele frequency attached by ClinVar (database versions not stated): gnomAD exomes below 0.00001.
gnomAD v4.1: 1 of 1,614,152 alleles (0.000062%); highest among the groups gnomAD compares: Non-Finnish European, 0.000085%; no homozygotes.

Submissions (2):

Labcorp Genetics (formerly Invitae), Labcorp
Classification: Uncertain significance for Gastrointestinal stromal tumor. Last evaluated: 2024-11-18. Review status: criteria provided, single submitter. Criteria: Invitae Variant Classification Sherloc (09022015). Collection method: clinical testing. Allele origin: germline.
Comment: This sequence change replaces lysine, which is basic and polar, with asparagine, which is neutral and polar, at codon 37 of the PDGFRA protein (p.Lys37Asn). This variant is not present in population databases (gnomAD no frequency). This variant has not been reported in the literature in individuals affected with PDGFRA-related conditions. ClinVar contains an entry for this variant (Variation ID: 528586). Invitae Evidence Modeling of protein sequence and biophysical properties (such as structural, functional, and spatial information, amino acid conservation, physicochemical variation, residue mobility, and thermodynamic stability) indicates that this missense variant is not expected to disrupt PDGFRA protein function with a negative predictive value of 80%. In summary, the available evidence is currently insufficient to determine the role of this variant in disease. Therefore, it has been classified as a Variant of Uncertain Significance.

Ambry Genetics
Classification: Uncertain significance for Hereditary cancer-predisposing syndrome. Last evaluated: 2021-07-20. Review status: criteria provided, single submitter. Criteria: Ambry Variant Classification Scheme 2023. Collection method: clinical testing. Allele origin: germline.
Comment: The p.K37N variant (also known as c.111G>T), located in coding exon 2 of the PDGFRA gene, results from a G to T substitution at nucleotide position 111. The lysine at codon 37 is replaced by asparagine, an amino acid with similar properties. This amino acid position is conserved. In addition, this alteration is predicted to be tolerated by in silico analysis. Since supporting evidence is limited at this time, the clinical significance of this alteration remains unclear.